The following is an entry in ClinVar:

ClinVar aggregate classification (germline): Conflicting classifications of pathogenicity. Review status: criteria provided, conflicting classifications (1 of 4 stars). 4 submissions from 4 submitters: Likely pathogenic (1); Uncertain significance (3). Last evaluated 2025-10-10.

Conditions:
Hereditary cancer-predisposing syndrome. Also called: Hereditary Cancer Syndrome; Neoplastic Syndromes, Hereditary; Tumor predisposition; Hereditary neoplastic syndrome. Identifiers: Orphanet 140162, MedGen C0027672, MeSH D009386, MONDO:0015356.
Breast-ovarian cancer, familial, susceptibility to, 3. Also called: RAD51C-Related Breast/Ovarian Cancer. Identifiers: Orphanet 145, MedGen C3150659, MONDO:0013253, OMIM 613399.
Fanconi anemia complementation group O. Also called: RAD51C-Related Fanconi Anemia. Identifiers: Orphanet 84, MedGen C3150653, MONDO:0013248, OMIM 613390.

Submissions (4):

Myriad Genetics, Inc.
Classification: Likely pathogenic for Breast-ovarian cancer, familial, susceptibility to, 3. Last evaluated: 2025-10-10. Review status: criteria provided, single submitter. Criteria: Myriad Autosomal Dominant, Autosomal Recessive and X-Linked Classification Criteria (2023). Collection method: clinical testing. Allele origin: unknown.
Comment: This variant is considered likely pathogenic. This variant occurs within a consensus splice junction and is predicted to result in abnormal mRNA splicing of either an out-of-frame exon or an in-frame exon necessary for protein stability and/or normal function.

Labcorp Genetics (formerly Invitae), Labcorp
Classification: Uncertain significance for Fanconi anemia complementation group O. Last evaluated: 2023-10-12. Review status: criteria provided, single submitter. Criteria: Invitae Variant Classification Sherloc (09022015). Collection method: clinical testing. Allele origin: germline.
Comment: This sequence change affects an acceptor splice site in intron 7 of the RAD51C gene. RNA analysis indicates that disruption of this splice site induces altered splicing and likely disrupts the C-terminus of the protein. This variant is not present in population databases (gnomAD no frequency). This variant has not been reported in the literature in individuals affected with RAD51C-related conditions. ClinVar contains an entry for this variant (Variation ID: 229925). Studies have shown that disruption of this splice site results in a frameshift and introduces a new termination codon (Invitae). However the mRNA is not expected to undergo nonsense-mediated decay. In summary, the available evidence is currently insufficient to determine the role of this variant in disease. Therefore, it has been classified as a Variant of Uncertain Significance.

Women's Health and Genetics/Laboratory Corporation of America, LabCorp
Classification: Uncertain significance. Last evaluated: 2017-11-24. Review status: criteria provided, single submitter. Criteria: LabCorp Variant Classification Summary - May 2015. Collection method: clinical testing. Allele origin: germline.
Comment: Variant summary: The RAD51C c.966-1G>A variant involves the alteration of a conserved intronic nucleotide. One in silico tool predicts a damaging outcome for this variant. 5/5 splice prediction tools predict the weakening or complete loss of a cannonical splice donor site. However, these predictions have yet to be confirmed by functional studies. This variant is absent in 246132 control chromosomes. In addition, one clinical diagnostic laboratory/reputable database classified this variant as uncertain significance. The variant of interest has not, to our knowledge, been reported in affected individuals via publications nor evaluated for functional impact by in vivo/vitro studies. Taken together, this variant is predicted to impact splicing, however it is located close to the end of the protein, therefore the impact of this variant are unclear at this time. It has been classified as a VUS - possibly pathogenic variant.

Ambry Genetics
Classification: Uncertain significance for Hereditary cancer-predisposing syndrome. Last evaluated: 2015-01-08. Review status: criteria provided, single submitter. Criteria: Ambry Variant Classification Scheme 2023. Collection method: clinical testing. Allele origin: germline.
Comment: The c.966-1G>A intronic variant, results from a G to A one nucleotide upstream from coding exon 8 of the RAD51C gene. Alterations that disrupt the canonical splice acceptor site are typically deleterious in nature (ACMG Recommendations for Standards for Interpretation and Reporting of Sequence Variations. Revision 2007. Genet Med. 2008;10:294). Based on two different splice site prediction tools, this alteration is expected to abolish the native splice acceptor site; however, a strong alternate acceptor site is predicted only 3 nucleotides upstream of the native site. No experimental splicing evidence is currently available. This variant was not reported in population based cohorts in the following databases: Database of Single Nucleotide Polymorphisms (dbSNP), NHLBI Exome Sequencing Project (ESP), and 1000 Genomes Project. In the ESP, this variant was not observed in 6503 samples (13006 alleles) with coverage at this position. To date, this alteration has been detected with an allele frequency of approximately 0.003% (greater than 30000 alleles tested) in our clinical cohort. This nucleotide position is highly conserved in available vertebrate species. Since supporting evidence is limited at this time, the clinical significance of c.966-1G>A remains unclear.

NM_058216.3(RAD51C):c.966-1G>A

Gene: RAD51C (RAD51 paralog C; plus strand). Cytogenetic location: 17q22.
Variant type: single nucleotide variant.
Coding change: c.966-1G>A on transcript NM_058216.3 (MANE Select); the canonical splice acceptor site of the intron before coding-DNA position 966, G replaced by A.
Molecular consequence: splice acceptor variant.
Genome position (GRCh38, 1-based): chr17:58,732,483, G>A. VCF-style: chr17-58732483-G-A. GRCh37 (hg19) VCF-style: chr17-56809844-G-A.
Identifiers: ClinVar variation 229925 (VCV000229925.10), dbSNP rs876658272, ClinGen allele CA10580763.
Genomic context (GRCh38, chr17:58,732,483, plus strand): 5'-CTGAACTTTTAATTAATTAAGTTCATGTGTTTGTATGTATTTATTCTTTTTCTTTAAGCA[G>A]GTTGGCAACATTGTACAAGTCACCCAGCCAGAAGGAATGCACAGTACTGTTTCAAATCAA-3'